The following is an entry in ClinVar:

NM_017934.7(PHIP):c.5184_5192del (p.Leu1729_Val1731del)

Genes: IRAK1BP1 (interleukin 1 receptor associated kinase 1 binding protein 1; plus strand), PHIP (PHIP subunit of CUL4-Ring ligase complex; minus strand). Cytogenetic location: 6q14.1.
Variant type: Deletion.
Coding change: c.5184_5192del on transcript NM_017934.7 (MANE Select); coding-DNA positions 5184 to 5192, 9 bases deleted (TCTCCTAGT; older notation c.5184_5192delTCTCCTAGT).
Protein change: p.Leu1729_Val1731del.
Genome position (GRCh38, 1-based): chr6:78,940,967-78,940,975, ACTAGGAGA deleted on the plus strand (TCTCCTAGT on the coding strand, the reverse complement: PHIP is on the minus strand). VCF-style (leftmost placement, unchanged base first): chr6-78940966-GACTAGGAGA-G. GRCh37 (hg19) VCF-style: chr6-79650683-GACTAGGAGA-G.
Identifiers: ClinVar variation 3900441 (VCV003900441.1).
Genomic context (GRCh38, chr6:78,940,966, plus strand): 5'-ATCTATAGGATCATCTATCTTTTTTCGGTTACTTCTCCTTAACACTTTGACACTTGCAGG[GACTAGGAGA>G]TCTGCATCTAATTTTTGTGTCTTCATCTTCCTTTTGGGCTTCCTACCTCCACGATTCTTT-3'

ClinVar aggregate classification (germline): Uncertain significance (1 of 4 stars; one submission).

Submission:

GeneDx
Classification: Uncertain significance. Last evaluated: 2024-11-21. Review status: criteria provided, single submitter. Criteria: GeneDx Variant Classification Process June 2021. Collection method: clinical testing. Allele origin: germline. Affected: yes.
Comment: Not observed at significant frequency in large population cohorts (gnomAD); In-frame deletion of 3 amino acids in a non-repeat region; In silico analysis indicates that this variant does not alter protein structure/function; In silico analysis is inconclusive as to whether the variant alters gene splicing. In the absence of RNA/functional studies, the actual effect of this sequence change is unknown.; Has not been previously published as pathogenic or benign to our knowledge